The following is an entry in ClinVar:

NM_004655.4(AXIN2):c.2337G>A (p.Arg779=)

Gene: AXIN2 (axin 2; minus strand). Cytogenetic location: 17q24.1.
Variant type: single nucleotide variant.
Coding change: c.2337G>A on transcript NM_004655.4 (MANE Select); coding-DNA position 2337, G replaced by A.
Protein change: p.Arg779=; no amino-acid change (arginine 779 retained).
Molecular consequence: synonymous variant.
Genome position (GRCh38, 1-based): chr17:65,533,980, C>T on the plus strand (G>A on the coding strand, the complement: AXIN2 is on the minus strand). VCF-style: chr17-65533980-C-T. GRCh37 (hg19) VCF-style: chr17-63530098-C-T.
Other names: c.2142G>A, p.Arg714= (NM_001363813.1).
Identifiers: ClinVar variation 1160305 (VCV001160305.12), dbSNP rs2043866155, ClinGen allele CA501475922.

ClinVar aggregate classification (germline): Benign/Likely benign. Review status: criteria provided, multiple submitters, no conflicts (2 of 4 stars). 3 submissions from 3 submitters: Benign (1); Likely benign (2). Last evaluated 2025-10-27.

Conditions:
Oligodontia-cancer predisposition syndrome. Also called: TOOTH AGENESIS-COLORECTAL CANCER SYNDROME. Identifiers: Orphanet 300576, MedGen C1837750, MONDO:0012075, OMIM 608615. Disease mechanism: loss of function.
Hereditary cancer-predisposing syndrome. Also called: Tumor predisposition; Neoplastic Syndromes, Hereditary; Hereditary Cancer Syndrome; Hereditary neoplastic syndrome. Identifiers: Orphanet 140162, MedGen C0027672, MeSH D009386, MONDO:0015356.

Allele frequency attached by ClinVar (database versions not stated): gnomAD exomes below 0.00001.
gnomAD v4.1: 1 of 1,614,214 alleles (0.000062%); highest among the groups gnomAD compares: Non-Finnish European, 0.000085%; no homozygotes.

Submissions (3):

Labcorp Genetics (formerly Invitae), Labcorp
Classification: Likely benign for Oligodontia-cancer predisposition syndrome. Last evaluated: 2025-10-27. Review status: criteria provided, single submitter. Criteria: Invitae Variant Classification Sherloc (09022015). Collection method: clinical testing. Allele origin: germline.

Myriad Genetics, Inc.
Classification: Benign for Oligodontia-cancer predisposition syndrome. Last evaluated: 2024-07-10. Review status: criteria provided, single submitter. Criteria: Myriad Autosomal Dominant, Autosomal Recessive and X-Linked Classification Criteria (2023). Collection method: clinical testing. Allele origin: unknown.
Comment: This variant is considered benign. This variant is a silent/synonymous amino acid change and it is not expected to impact splicing.

Ambry Genetics
Classification: Likely benign for Hereditary cancer-predisposing syndrome. Last evaluated: 2021-05-17. Review status: criteria provided, single submitter. Criteria: Ambry Variant Classification Scheme 2023. Collection method: clinical testing. Allele origin: germline.